The following is an entry in ClinVar:

ClinVar aggregate classification (germline): Uncertain significance (1 of 4 stars; one submission).

Submission:

GeneDx
Classification: Uncertain significance. Last evaluated: 2023-07-12. Review status: criteria provided, single submitter. Criteria: GeneDx Variant Classification Process June 2021. Collection method: clinical testing. Allele origin: germline. Affected: yes.
Comment: Replaces the glycine in the first Gly-X-Y repeat in the triple helical domain; missense substitution of a canonical glycine residue is expected to disrupt normal protein folding and function (HGMD); In silico analysis supports that this missense variant does not alter protein structure/function; Not observed at significant frequency in large population cohorts (gnomAD); Has not been previously published as pathogenic or benign to our knowledge; This variant is associated with the following publications: (PMID: 9036918, 10706896)

NM_000090.4(COL3A1):c.502G>A (p.Gly168Arg)

Gene: COL3A1 (collagen type III alpha 1 chain; plus strand). Cytogenetic location: 2q32.2.
Variant type: single nucleotide variant.
Coding change: c.502G>A on transcript NM_000090.4 (MANE Select); coding-DNA position 502, G replaced by A.
Protein change: p.Gly168Arg; replaces glycine 168 with arginine.
Molecular consequence: missense variant.
Genome position (GRCh38, 1-based): chr2:188,987,113, G>A. VCF-style: chr2-188987113-G-A. GRCh37 (hg19) VCF-style: chr2-189851839-G-A.
Other names: short protein forms G168R.
Identifiers: ClinVar variation 3360879 (VCV003360879.1).